The following is an entry in ClinVar:

NM_032608.7(MYO18B):c.7151G>A (p.Arg2384Lys)

Gene: MYO18B (myosin XVIIIB; plus strand). Cytogenetic location: 22q12.1.
Variant type: single nucleotide variant.
Coding change: c.7151G>A on transcript NM_032608.7 (MANE Select); coding-DNA position 7151, G replaced by A.
Protein change: p.Arg2384Lys; replaces arginine 2384 with lysine.
Molecular consequence: missense variant.
Genome position (GRCh38, 1-based): chr22:26,027,125, G>A. VCF-style: chr22-26027125-G-A. GRCh37 (hg19) VCF-style: chr22-26423091-G-A.
Other names: c.7154G>A, p.Arg2385Lys (NM_001318245.2); c.7151G>A (NM_032608.5, NM_032608.6); short protein forms R2384K, R2385K.
Identifiers: ClinVar variation 1050782 (VCV001050782.6), dbSNP rs369430638, ClinGen allele CA10161704.
Genomic context (GRCh38, chr22:26,027,125, plus strand): 5'-AACTGAGCTCTCCGACCACACCCAGGGACATGCTGTTGTCGCCCACACTGCGTCCTCGGA[G>A]GCGGTGTCTGGAGTCCTCTGTGGACGATGCGGGCTGTCCAGACCTTGGAAAGGAGCCGCT-3'
Protein context (NP_115997.5, residues 2374-2394): MLLSPTLRPR[Arg2384Lys]RCLESSVDDA

ClinVar aggregate classification (germline): Uncertain significance. Review status: criteria provided, multiple submitters, no conflicts (2 of 4 stars). 4 submissions from 4 submitters: Uncertain significance (3). 1 of the submissions does not count toward it. Last evaluated 2026-07-20.

Conditions:
Inborn genetic diseases. Identifiers: MedGen C0950123, MeSH D030342.
MYO18B-related disorder. Also called: MYO18B-related condition.

Allele frequency attached by ClinVar (database versions not stated): gnomAD exomes 0.00004 and 0.00011; ExAC 0.00008; gnomAD 0.00033 and 0.00035; ESP Exome Variant Server 0.00041; TOPMed 0.00045; 1000 Genomes Project 30x 0.00062; 1000 Genomes Project 0.00080.
gnomAD v4.1: 119 of 1,614,002 alleles (0.0074%); highest among the groups gnomAD compares: African/African-American, 0.11%; 1 homozygote.

Submissions (4):

PreventionGenetics, part of Exact Sciences
Classification: Uncertain significance for MYO18B-related condition. Last evaluated: 2026-07-20. Review status: criteria provided, single submitter. Criteria: ACMG Guidelines, 2015. Collection method: clinical testing. Allele origin: germline.
Comment: The MYO18B c.7151G>A variant is predicted to result in the amino acid substitution p.Arg2384Lys. To our knowledge, this variant has not been reported in the literature. This variant is reported in 0.11% of alleles in individuals of African descent in gnomAD. Although we suspect that this variant may be benign, at this time, the clinical significance of this variant is uncertain due to the absence of conclusive functional and genetic evidence.

Ambry Genetics
Classification: Uncertain significance for Inborn genetic diseases. Last evaluated: 2025-07-16. Review status: criteria provided, single submitter. Criteria: Ambry Variant Classification Scheme 2023. Collection method: clinical testing. Allele origin: germline.

Labcorp Genetics (formerly Invitae), Labcorp
Classification: Uncertain significance. Last evaluated: 2022-09-01. Review status: criteria provided, single submitter. Criteria: Invitae Variant Classification Sherloc (09022015). Collection method: clinical testing. Allele origin: germline.
Comment: This sequence change replaces arginine, which is basic and polar, with lysine, which is basic and polar, at codon 2384 of the MYO18B protein (p.Arg2384Lys). This variant is present in population databases (rs369430638, gnomAD 0.1%). This variant has not been reported in the literature in individuals affected with MYO18B-related conditions. ClinVar contains an entry for this variant (Variation ID: 1050782). Algorithms developed to predict the effect of missense changes on protein structure and function are either unavailable or do not agree on the potential impact of this missense change (SIFT: "Not Available"; PolyPhen-2: "Possibly Damaging"; Align-GVGD: "Not Available"). In summary, the available evidence is currently insufficient to determine the role of this variant in disease. Therefore, it has been classified as a Variant of Uncertain Significance.

Department of Pathology and Laboratory Medicine, Sinai Health System
Classification: Uncertain significance. Review status: no assertion criteria provided. Collection method: clinical testing. Allele origin: unknown. Affected: yes. Study: The Canadian Open Genetics Repository (COGR). Not counted in ClinVar's aggregate classification.
Comment: The MYO18B p.Arg2385Lys variant was not identified in the literature nor was it identified in ClinVar. The variant was identified in dbSNP (ID: rs369430638) and in control databases in 41 of 280562 chromosomes at a frequency of 0.0001461 (Genome Aggregation Database March 6, 2019, v2.1.1). The variant was observed in the following populations: African in 27 of 24200 chromosomes (freq: 0.001116), Latino in 13 of 35372 chromosomes (freq: 0.000368) and Other in 1 of 7136 chromosomes (freq: 0.00014), but was not observed in the Ashkenazi Jewish, East Asian, European (Finnish), European (non-Finnish), or South Asian populations. The p.Arg2385 residue is not conserved in mammals and four out of five computational analyses (PolyPhen-2, SIFT, AlignGVGD, BLOSUM, MutationTaster) do not suggest a high likelihood of impact to the protein; however, this information is not predictive enough to rule out pathogenicity. The variant occurs outside of the splicing consensus sequence and three of four in silico or computational prediction software programs (SpliceSiteFinder, MaxEntScan, NNSPLICE, GeneSplicer) do not predict a greater than 10% difference in splicing; this is not very predictive of pathogenicity. In summary, based on the above information the clinical significance of this variant cannot be determined with certainty at this time. This variant is classified as a variant of uncertain significance.